The following is an entry in ClinVar:

NM_001365925.2(NLGN1):c.493+5G>A

Gene: NLGN1 (neuroligin 1; plus strand). Cytogenetic location: 3q26.31.
Variant type: single nucleotide variant.
Coding change: c.493+5G>A on transcript NM_001365925.2 (MANE Select); 5 bases into the intron after coding-DNA position 493, G replaced by A.
Molecular consequence: intron variant.
Genome position (GRCh38, 1-based): chr3:173,605,096, G>A. VCF-style: chr3-173605096-G-A. GRCh37 (hg19) VCF-style: chr3-173322886-G-A.
Other names: c.493+5G>A (NM_001365924.2, NM_001365923.2, NM_001365930.2 and 11 more transcripts).
Identifiers: ClinVar variation 3376202 (VCV003376202.1).

ClinVar aggregate classification (germline): Uncertain significance (1 of 4 stars; one submission).

Conditions:
Autism, susceptibility to, 20. Identifiers: MedGen C5394226, MONDO:0030004, OMIM 618830.

Submission:

Pittsburgh Clinical Genomics Laboratory, University of Pittsburgh Medical Center
Classification: Uncertain significance for Autism, susceptibility to, 20. Last evaluated: 2022-10-21. Review status: criteria provided, single submitter. Criteria: ACMG Guidelines, 2015. Collection method: clinical testing. Allele origin: germline. Inheritance: Autosomal dominant inheritance. Affected: yes.
Comment: This sequence variant is a single nucleotide substitution (G>A) at the +5 position downstream of the exon 3 canonical splice donor site of the NLGN1 gene. This novel variant has not been reported previously in individuals with NLGN1-related disease, to our knowledge. This variant is absent from the gnomAD control population database (0/~238700 alleles). Multiple splicing tools predict that this variant will disrupt the normal function of the exon 3 splice donor site; however, this prediction has not been confirmed with in vitro or in vivo functiol assays, to our knowledge. Without further clinical or functiol information, there is insufficient information to determine if this variant is benign or pathogenic. Thus, we consider it to be a variant of uncertain significance. ACMG Criteria: PM2, PP3